The following is an entry in ClinVar:

NM_001184880.2(PCDH19):c.1487A>T (p.Gln496Leu)

Gene: PCDH19 (protocadherin 19; minus strand). Cytogenetic location: Xq22.1.
Variant type: single nucleotide variant.
Coding change: c.1487A>T on transcript NM_001184880.2 (MANE Select); coding-DNA position 1487, A replaced by T.
Protein change: p.Gln496Leu; replaces glutamine 496 with leucine.
Molecular consequence: missense variant.
Genome position (GRCh38, 1-based): chrX:100,407,111, T>A on the plus strand (A>T on the coding strand, the complement: PCDH19 is on the minus strand). VCF-style: chrX-100407111-T-A. GRCh37 (hg19) VCF-style: chrX-99662109-T-A.
Other names: c.1487A>T, p.Gln496Leu (NM_001105243.2, NM_020766.3); short protein forms Q496L.
Identifiers: ClinVar variation 4802170 (VCV004802170.1).

ClinVar aggregate classification (germline): Uncertain significance (1 of 4 stars; one submission).

Conditions:
Developmental and epileptic encephalopathy, 9 (DEE9). Also called: Early infantile epileptic encephalopathy 9; EPILEPSY, FEMALE-RESTRICTED, WITH MENTAL RETARDATION; JUBERG-HELLMAN SYNDROME; PCDH19-Related X-Linked Female-Limited Epilepsy with Mental Retardation. Identifiers: Orphanet 101039, Orphanet 2076, MedGen C1848137, MONDO:0010246, OMIM 300088. Disease mechanism: loss of function.

Submission:

Labcorp Genetics (formerly Invitae), Labcorp
Classification: Uncertain significance for Developmental and epileptic encephalopathy, 9. Last evaluated: 2025-09-15. Review status: criteria provided, single submitter. Criteria: Invitae Variant Classification Sherloc (09022015). Collection method: clinical testing. Allele origin: germline.
Comment: This sequence change replaces glutamine, which is neutral and polar, with leucine, which is neutral and non-polar, at codon 496 of the PCDH19 protein (p.Gln496Leu). This variant is not present in population databases (gnomAD no frequency). This variant has not been reported in the literature in individuals affected with PCDH19-related conditions. Invitae Evidence Modeling of protein sequence and biophysical properties (such as structural, functional, and spatial information, amino acid conservation, physicochemical variation, residue mobility, and thermodynamic stability) indicates that this missense variant is not expected to disrupt PCDH19 protein function with a negative predictive value of 95%. In summary, the available evidence is currently insufficient to determine the role of this variant in disease. Therefore, it has been classified as a Variant of Uncertain Significance.